The following is an entry in ClinVar:

NM_004360.5(CDH1):c.-54G>C

Genes: CDH1 (cadherin 1; plus strand), LOC130059290 (ATAC-STARR-seq lymphoblastoid silent region 7650; plus strand). Cytogenetic location: 16q22.1.
Variant type: single nucleotide variant.
Coding change: c.-54G>C on transcript NM_004360.5 (MANE Select); 54 bases upstream of the start codon, G replaced by C.
Molecular consequence: 5 prime UTR variant.
Genome position (GRCh38, 1-based): chr16:68,737,362, G>C. VCF-style: chr16-68737362-G-C. GRCh37 (hg19) VCF-style: chr16-68771265-G-C.
Other names: c.-54G>C (NM_001317184.2, LRG_301t1); c.-1669G>C (NM_001317185.2); c.-1873G>C (NM_001317186.2).
Identifiers: ClinVar variation 221181 (VCV000221181.44), dbSNP rs5030874, ClinGen allele CA348560.

ClinVar aggregate classification (germline): Benign/Likely benign. Review status: criteria provided, multiple submitters, no conflicts (2 of 4 stars). 6 submissions from 6 submitters: Benign (3); Likely benign (3). Last evaluated 2026-01-01.

Conditions:
Hereditary diffuse gastric adenocarcinoma (HDGC). Also called: DIFFUSE GASTRIC AND LOBULAR BREAST CANCER SYNDROME. Identifiers: Orphanet 26106, MedGen C1708349, MONDO:0007648, OMIM 137215.

Allele frequency attached by ClinVar (database versions not stated): 1000 Genomes Project 0.00160; gnomAD 0.00208; 1000 Genomes Project 30x 0.00219; TOPMed 0.00229; gnomAD exomes 0.00305.
gnomAD v4.1: 4,373 of 1,484,350 alleles (0.29%); highest among the groups gnomAD compares: Non-Finnish European, 0.35%; 11 homozygotes.

Submissions (6):

CeGaT Center for Human Genetics Tuebingen
Classification: Benign. Last evaluated: 2026-01-01. Review status: criteria provided, single submitter. Criteria: CeGaT Center For Human Genetics Tuebingen Variant Classification Criteria Version 2. Collection method: clinical testing. Allele origin: germline. Affected: yes. Observed: 9 variant alleles.
Comment: CDH1: BS1, BS2

Labcorp Genetics (formerly Invitae), Labcorp
Classification: Benign for Hereditary diffuse gastric adenocarcinoma. Last evaluated: 2025-11-17. Review status: criteria provided, single submitter. Criteria: Invitae Variant Classification Sherloc (09022015). Collection method: clinical testing. Allele origin: germline.

KCCC/NGS Laboratory, Kuwait Cancer Control Center
Classification: Benign for Hereditary diffuse gastric adenocarcinoma. Last evaluated: 2025-02-01. Review status: criteria provided, single submitter. Criteria: ACMG Guidelines, 2015. Collection method: clinical testing. Allele origin: germline. Affected: no.

European Reference Network on Genetic Tumour Risk Syndromes (ERN-GENTURIS), i3s - Instituto de Investigação e Inovação em Saúde, University of Porto
Classification: Likely benign for Hereditary diffuse gastric adenocarcinoma. Last evaluated: 2022-08-01. Review status: criteria provided, single submitter. Criteria: Lee et al. (Hum Mutat. 2018). Collection method: clinical testing. Allele origin: germline. Inheritance: Autosomal dominant inheritance. Affected: yes. Study: ERN GENTURIS.
Comment: BS1; PM2 (PMID: 30311375)

Illumina Laboratory Services, Illumina
Classification: Likely benign for Hereditary diffuse gastric adenocarcinoma. Last evaluated: 2017-04-27. Review status: criteria provided, single submitter. Criteria: ICSL Variant Classification Criteria 13 December 2019. Collection method: clinical testing. Allele origin: germline.
Comment: This variant was observed as part of a predisposition screen in an ostensibly healthy population. A literature search was performed for the gene, cDNA change, and amino acid change (where applicable). No publications were found based on this search. Allele frequency data from public databases allowed determination this variant is unlikely to cause disease. Therefore, this variant is classified as likely benign.

PreventionGenetics, part of Exact Sciences
Classification: Likely benign. Last evaluated: 2017-02-06. Review status: criteria provided, single submitter. Criteria: ACMG Guidelines, 2015. Collection method: clinical testing. Allele origin: germline.

Literature cited by the submitters: PubMed 36436516 (cited by European Reference Network on Genetic Tumour Risk Syndromes (ERN-GENTURIS), i3s - Instituto de Investigação e Inovação em Saúde, University of Porto).